The following is an entry in ClinVar:

NC_000001.10:g.(?_1167616)_(1170422_?)del

Gene: B3GALT6 (beta-1,3-galactosyltransferase 6; plus strand). Cytogenetic location: 1p36.33.
Variant type: Deletion.
Identifiers: ClinVar variation 4887449 (VCV004887449.1).

ClinVar aggregate classification (germline): Pathogenic (1 of 4 stars; one submission).

Conditions:
Spondyloepimetaphyseal dysplasia with joint laxity, type 1, with or without fractures (SEMDJL1). Also called: SPONDYLOEPIMETAPHYSEAL DYSPLASIA WITH JOINT LAXITY, TYPE 1. Identifiers: Orphanet 642099, Orphanet 93359, MedGen C4017377, MONDO:0010075, OMIM 271640.

Submission:

Women's Health and Genetics/Laboratory Corporation of America, LabCorp
Classification: Pathogenic for Spondyloepimetaphyseal dysplasia with joint laxity, type 1, with or without fractures. Last evaluated: 2026-06-08. Review status: criteria provided, single submitter. Criteria: LabCorp Variant Classification Summary - May 2015. Collection method: clinical testing. Allele origin: germline.
Comment: Variant summary: The variant involves the deletion of the only exon in the B3GALT6 gene. A presumed nomenclature of c.(?_-43)_(*1774_?)del has been designated for the purposes of this classification. This deletion includes the entire coding sequence of the gene. As the exact proximal and distal breakpoints are unknown, it may extend beyond the annotated region of the gene to include other flanking genes. Loss-of-function variants in this gene are known to be pathogenic. The variant was absent in 21694 control chromosomes. To our knowledge, no occurrence of c.(?_-43)_(*1774_?)del in individuals affected with B3GALT6-related conditions and no experimental evidence demonstrating its impact on protein function have been reported. No submitters have cited clinical-significance assessments for this variant to ClinVar. Based on the evidence outlined above, the variant was classified as pathogenic.